The following is an entry in ClinVar:

NM_000548.5(TSC2):c.3584C>T (p.Ala1195Val)

Gene: TSC2 (TSC complex subunit 2; plus strand). Cytogenetic location: 16p13.3.
Variant type: single nucleotide variant.
Coding change: c.3584C>T on transcript NM_000548.5 (MANE Select); coding-DNA position 3584, C replaced by T.
Protein change: p.Ala1195Val; replaces alanine 1195 with valine.
Molecular consequence: missense variant.
Genome position (GRCh38, 1-based): chr16:2,080,351, C>T. VCF-style: chr16-2080351-C-T. GRCh37 (hg19) VCF-style: chr16-2130352-C-T.
Other names: p.Ala1195Val; c.3452C>T, p.Ala1151Val (NM_001077183.3, NM_001370404.1); c.3584C>T, p.Ala1195Val (NM_001114382.3); c.3344C>T, p.Ala1115Val (NM_001318827.2); c.3308C>T, p.Ala1103Val (NM_001318829.2); c.2852C>T, p.Ala951Val (NM_001318831.2); c.3485C>T, p.Ala1162Val (NM_001318832.2); c.3455C>T, p.Ala1152Val (NM_001363528.2, NM_001370405.1, NM_021055.3); short protein forms A1195V, A1103V, A1152V, A1115V, A1162V, A951V, A1151V.
Identifiers: ClinVar variation 406069 (VCV000406069.27), dbSNP rs773951533, ClinGen allele CA047499.

ClinVar aggregate classification (germline): Conflicting classifications of pathogenicity. Review status: criteria provided, conflicting classifications (1 of 4 stars). 7 submissions from 7 submitters: Uncertain significance (3); Likely benign (4). Last evaluated 2026-03-27.

Conditions:
Hereditary cancer-predisposing syndrome. Also called: Tumor predisposition; Hereditary neoplastic syndrome; Neoplastic Syndromes, Hereditary; Hereditary Cancer Syndrome. Identifiers: Orphanet 140162, MedGen C0027672, MeSH D009386, MONDO:0015356.
Tuberous sclerosis 2 (TSC2). Identifiers: Orphanet 805, MedGen C1860707, MONDO:0013199, OMIM 613254.
Tuberous sclerosis syndrome (TSC). Also called: Tuberous Sclerosis Complex; Tuberous sclerosis. Identifiers: Orphanet 805, MedGen C0041341, MONDO:0001734.

Allele frequency attached by ClinVar (database versions not stated): ExAC 0.00001; gnomAD exomes 0.00001 and 0.00003; TOPMed 0.00003; gnomAD 0.00004.
gnomAD v4.1: 43 of 1,612,122 alleles (0.0027%); highest among the groups gnomAD compares: Non-Finnish European, 0.0032%; no homozygotes.

Submissions (7):

Women's Health and Genetics/Laboratory Corporation of America, LabCorp
Classification: Likely benign. Last evaluated: 2026-03-27. Review status: criteria provided, single submitter. Criteria: LabCorp Variant Classification Summary - May 2015. Collection method: clinical testing. Allele origin: germline.
Comment: Variant summary: TSC2 c.3584C>T (p.Ala1195Val) results in a non-conservative amino acid change in the encoded protein sequence. Algorithms developed to predict the effect of missense changes on protein structure and function all suggest that this variant is likely to be disruptive. The variant allele was found at a frequency of 1.2e-05 in 248870 control chromosomes in the gnomAD v2 database. A total of 43 heterozygotes of this variant were observed in the gnomAD v4 database. c.3584C>T has been observed in individual(s) affected with Hereditary and Early Onset Breast Cancer (Torrezan 2018). These report(s) do not provide unequivocal conclusions about association of the variant with Tuberous Sclerosis Complex. To our knowledge, no experimental evidence demonstrating an impact on protein function has been reported. The following publication has been ascertained in the context of this evaluation (PMID: 29868112). ClinVar contains an entry for this variant (Variation ID: 406069). Based on the evidence outlined above, the variant was classified as likely benign.

Labcorp Genetics (formerly Invitae), Labcorp
Classification: Likely benign for Tuberous sclerosis 2. Last evaluated: 2026-02-02. Review status: criteria provided, single submitter. Criteria: Invitae Variant Classification Sherloc (09022015). Collection method: clinical testing. Allele origin: germline.

Mayo Clinic Laboratories, Mayo Clinic
Classification: Uncertain significance. Last evaluated: 2025-11-20. Review status: criteria provided, single submitter. Criteria: ACMG Guidelines, 2015. Collection method: clinical testing. Allele origin: germline. Observed: 1 variant allele.
Comment: PP3

All of Us Research Program, National Institutes of Health
Classification: Uncertain significance for Tuberous sclerosis syndrome. Last evaluated: 2024-08-13. Review status: criteria provided, single submitter. Criteria: ACMG Guidelines, 2015. Collection method: clinical testing. Allele origin: germline. Inheritance: Autosomal dominant inheritance. Observed: 5 variant alleles, 5 heterozygotes.
Comment: This missense variant replaces alanine with valine at codon 1195 of the TSC2 protein. Computational prediction suggests that this variant may have deleterious impact on protein structure and function (internally defined REVEL score threshold >= 0.7, PMID: 27666373). To our knowledge, functional studies have not been reported for this variant. This variant has not been reported in individuals affected with tuberous sclerosis complex in the literature. This variant has been identified in 5/280244 chromosomes in the general population by the Genome Aggregation Database (gnomAD). The available evidence is insufficient to determine the role of this variant in disease conclusively. Therefore, this variant is classified as a Variant of Uncertain Significance.

This study involves interpretation of variants in research participants for the purpose of population health screening. Participant phenotype was not available at the time of variant classification. Additional details can be found in publication PMID: 35346344, PMCID: PMC8962531

Ambry Genetics
Classification: Likely benign for Hereditary cancer-predisposing syndrome. Last evaluated: 2023-01-19. Review status: criteria provided, single submitter. Criteria: Ambry Variant Classification Scheme 2023. Collection method: clinical testing. Allele origin: germline.

GeneDx
Classification: Uncertain significance. Last evaluated: 2022-10-20. Review status: criteria provided, single submitter. Criteria: GeneDx Variant Classification Process June 2021. Collection method: clinical testing. Allele origin: germline. Affected: yes.
Comment: Observed in an individual with breast cancer (Torrezan et al., 2018); In silico analysis supports that this missense variant has a deleterious effect on protein structure/function; This variant is associated with the following publications: (PMID: 29868112)

Genome-Nilou Lab
Classification: Likely benign for Tuberous sclerosis 2. Last evaluated: 2021-11-07. Review status: criteria provided, single submitter. Criteria: ACMG Guidelines, 2015. Collection method: clinical testing. Allele origin: germline. Affected: no.

Literature cited by the submitters: PubMed 29868112 (cited by Women's Health and Genetics/Laboratory Corporation of America, LabCorp and Ambry Genetics).